The following is an entry in ClinVar:

NM_001005242.3(PKP2):c.975_976insAGCGGCC (p.Ala326fs)

Gene: PKP2 (plakophilin 2; minus strand). Cytogenetic location: 12p11.21.
Variant type: Insertion.
Coding change: c.975_976insAGCGGCC on transcript NM_001005242.3 (MANE Select); coding-DNA positions 975 to 976, AGCGGCC inserted.
Protein change: p.Ala326fs; shifts the reading frame from alanine 326.
Molecular consequence: frameshift variant.
Genome position: GRCh38 VCF-style: chr12-32877904-C-CGGCCGCT. GRCh37 (hg19) VCF-style: chr12-33030838-C-CGGCCGCT.
Other names: c.975_976insAGCGGCC, p.Ala326fs (NM_001407155.1, NM_001407156.1, NM_001407157.1 and 2 more transcripts); c.975_976insAGCGGCC (NM_004572.3); c.648_649insAGCGGCC, p.Ala217fs (NM_001407158.1, NM_001407159.1, NM_001407160.1 and 1 more transcripts); short protein forms A326fs, A217fs.
Identifiers: ClinVar variation 4138094 (VCV004138094.1).
Genomic context (GRCh38, chr12:32,877,904, plus strand): 5'-ACCCCAGCTGGGAGTCAGTGAAAGTGCTTCTCTCAGTGAGCAGATTCCCACTTCCCCCTG[C>CGGCCGCT]GGCCGCCTGGCCGACAGTCAAGTGCGCTCTCCTCCCGCTGGAATCCACGGCGACACTGGG-3'

ClinVar aggregate classification (germline): Pathogenic (1 of 4 stars; one submission).

Conditions:
Cardiovascular phenotype. Identifiers: MedGen CN230736.

Submission:

Ambry Genetics
Classification: Pathogenic for Cardiovascular phenotype. Last evaluated: 2025-07-09. Review status: criteria provided, single submitter. Criteria: Ambry Variant Classification Scheme 2023. Collection method: clinical testing. Allele origin: germline.
Comment: The c.975_976insAGCGGCC pathogenic mutation, located in coding exon 3 of the PKP2 gene, results from an insertion of 7 nucleotides at position 975, causing a translational frameshift with a predicted alternate stop codon (p.A326Sfs*12). This variant is considered to be rare based on population cohorts in the Genome Aggregation Database (gnomAD). This alteration is expected to result in loss of function by premature protein truncation or nonsense-mediated mRNA decay. As such, this alteration is interpreted as a disease-causing mutation.